The following continues an entry in ClinVar:

NM_000021.4(PSEN1):c.617G>C (p.Gly206Ala)

Gene: PSEN1. ClinVar aggregate classification (germline): Pathogenic. Pathogenic (11).

Submissions 8 to 12 of 12:

GeneDx
Classification: Pathogenic. Last evaluated: 2022-08-31. Review status: criteria provided, single submitter. Criteria: GeneDx Variant Classification Process June 2021. Collection method: clinical testing. Allele origin: germline. Affected: yes.
Comment: Published functional studies demonstrate a damaging effect resulting in an increase of the amyloid beta ratio (Pimenova et al., 2020); In silico analysis, which includes protein predictors and evolutionary conservation, supports a deleterious effect; This variant is associated with the following publications: (PMID: 22312439, 11710891, 23383383, 22584618, 17522104, 23114514, 25333068, 11524469, 27312774, 27614114, 18797263, 26756738, 23885714, 22475797, 21952501, 20047059, 12119298, 30279455, 27073747, 27930341, 32032730)

Blueprint Genetics
Classification: Pathogenic for PSEN1-related disorders. Last evaluated: 2022-08-02. Review status: criteria provided, single submitter. Criteria: ACMG Guidelines, 2015. Collection method: clinical testing. Allele origin: germline. Affected: yes. Observed: 1 variant allele.

Fulgent Genetics
Classification: Pathogenic for Pick disease; Frontotemporal dementia; Alzheimer disease 3; Dilated cardiomyopathy 1U; Acne inversa, familial, 3. Last evaluated: 2022-03-04. Review status: criteria provided, single submitter. Criteria: ACMG Guidelines, 2015. Collection method: clinical testing. Allele origin: unknown.

Revvity Omics, Revvity
Classification: Pathogenic. Last evaluated: 2019-04-24. Review status: criteria provided, single submitter. Criteria: ACMG Guidelines, 2015. Collection method: clinical testing. Allele origin: germline.

OMIM
Classification: Pathogenic for ALZHEIMER DISEASE, FAMILIAL, 3. Last evaluated: 2001-11-14. Review status: no assertion criteria provided. Collection method: literature only. Allele origin: germline. Not counted in ClinVar's aggregate classification.

Literature cited by the submitters: PubMed 11524469 (cited by 3 submitters); PubMed 11710891 (cited by 6 submitters); PubMed 18797263 (cited by 3 submitters); PubMed 22312439 (cited by 3 submitters); PubMed 23114514 (cited by 3 submitters); PubMed 25333068 (cited by 3 submitters); PubMed 27073747 (cited by 4 submitters); PubMed 27930341 (cited by 3 submitters); PubMed 33188256 (cited by Variantyx, Inc.); PubMed 21335660 (cited by Variantyx, Inc.); PubMed 12119298 (cited by Variantyx, Inc. and Athena Diagnostics); PubMed 26756738 (cited by Mayo Clinic Laboratories, Mayo Clinic); PubMed 27312774 (cited by Mayo Clinic Laboratories, Mayo Clinic and Athena Diagnostics); PubMed 27614114 (cited by Mayo Clinic Laboratories, Mayo Clinic); PubMed 32032730 (cited by Mayo Clinic Laboratories, Mayo Clinic and Athena Diagnostics); PubMed 22475797 (cited by Athena Diagnostics); PubMed 26214276 (cited by Athena Diagnostics); PubMed 23885714 (cited by Athena Diagnostics); PubMed 23383383 (cited by Athena Diagnostics); PubMed 38184787 (cited by Athena Diagnostics); PubMed 36133075 (cited by Athena Diagnostics); PubMed 39428839 (cited by Athena Diagnostics); PubMed 31536626 (cited by Athena Diagnostics); PubMed 29874583 (cited by Athena Diagnostics); PubMed 29091718 (cited by Athena Diagnostics); PubMed 26888304 (cited by Athena Diagnostics).